The following is an entry in ClinVar:

NM_003106.4(SOX2):c.469A>G (p.Met157Val)

Genes: SOX2 (SRY-box transcription factor 2; plus strand), SOX2-OT (SOX2 overlapping transcript; plus strand), LOC108281177 (SOX2 5' regulatory region; plus strand). Cytogenetic location: 3q26.33.
Variant type: single nucleotide variant.
Coding change: c.469A>G on transcript NM_003106.4 (MANE Select); coding-DNA position 469, A replaced by G.
Protein change: p.Met157Val; replaces methionine 157 with valine.
Molecular consequence: missense variant.
Genome position (GRCh38, 1-based): chr3:181,712,829, A>G. VCF-style: chr3-181712829-A-G. GRCh37 (hg19) VCF-style: chr3-181430617-A-G.
Other names: short protein forms M157V.
Identifiers: ClinVar variation 3252941 (VCV003252941.1), dbSNP rs2473718776.

ClinVar aggregate classification (germline): Uncertain significance (1 of 4 stars; one submission).

Submission:

GeneDx
Classification: Uncertain significance. Last evaluated: 2023-12-11. Review status: criteria provided, single submitter. Criteria: GeneDx Variant Classification Process June 2021. Collection method: clinical testing. Allele origin: germline. Affected: yes.
Comment: Not observed at significant frequency in large population cohorts (gnomAD); In silico analysis supports that this missense variant does not alter protein structure/function; Has not been previously published as pathogenic or benign to our knowledge